The following is an entry in ClinVar:

NM_006005.3(WFS1):c.1405T>C (p.Ser469Pro)

Gene: WFS1 (wolframin ER transmembrane glycoprotein; plus strand). Cytogenetic location: 4p16.1.
Variant type: single nucleotide variant.
Coding change: c.1405T>C on transcript NM_006005.3 (MANE Select); coding-DNA position 1405, T replaced by C.
Protein change: p.Ser469Pro; replaces serine 469 with proline.
Molecular consequence: missense variant.
Genome position (GRCh38, 1-based): chr4:6,301,200, T>C. VCF-style: chr4-6301200-T-C. GRCh37 (hg19) VCF-style: chr4-6302927-T-C.
Other names: c.1405T>C, p.Ser469Pro (NM_001145853.1); short protein forms S469P.
Identifiers: ClinVar variation 3252224 (VCV003252224.2), dbSNP rs2474193619.

ClinVar aggregate classification (germline): Uncertain significance. Review status: criteria provided, multiple submitters, no conflicts (2 of 4 stars). 2 submissions from 2 submitters: Uncertain significance (2). Last evaluated 2024-12-11.

Conditions:
Inborn genetic diseases. Identifiers: MedGen C0950123, MeSH D030342.

Allele frequency attached by ClinVar (database versions not stated): gnomAD exomes below 0.00001.
gnomAD v4.1: 2 of 1,612,192 alleles (0.00012%); highest among the groups gnomAD compares: Non-Finnish European, 0.00017%; no homozygotes.

Submissions (2):

Ambry Genetics
Classification: Uncertain significance for Inborn genetic diseases. Last evaluated: 2024-12-11. Review status: criteria provided, single submitter. Criteria: Ambry Variant Classification Scheme 2023. Collection method: clinical testing. Allele origin: germline.

GeneDx
Classification: Uncertain significance. Last evaluated: 2024-07-12. Review status: criteria provided, single submitter. Criteria: GeneDx Variant Classification Process June 2021. Collection method: clinical testing. Allele origin: germline. Affected: yes.
Comment: Has not been previously published as pathogenic or benign to our knowledge; Not observed at significant frequency in large population cohorts (gnomAD); In silico analysis supports that this missense variant has a deleterious effect on protein structure/function